The following is an entry in ClinVar:

ClinVar aggregate classification (germline): Pathogenic (1 of 4 stars; one submission).

Conditions:
Hereditary cancer-predisposing syndrome. Also called: Hereditary Cancer Syndrome; Neoplastic Syndromes, Hereditary; Tumor predisposition; Hereditary neoplastic syndrome. Identifiers: Orphanet 140162, MedGen C0027672, MeSH D009386, MONDO:0015356.

Submission:

Ambry Genetics
Classification: Pathogenic for Hereditary cancer-predisposing syndrome. Last evaluated: 2025-05-03. Review status: criteria provided, single submitter. Criteria: Ambry Variant Classification Scheme 2023. Collection method: clinical testing. Allele origin: germline.
Comment: The c.443_444delGCinsTT pathogenic mutation (also known as p.G148V), located in coding exon 4 of the SDHD gene, results from an in-frame deletion of GC and insertion of TT between nucleotide positions 443 and 444. This results in the substitution of a glycine for a valine residue at codon 148, an amino acid with dissimilar properties. This variant was reported in individual(s) with features consistent with SDHD-related hereditary pheochromocytoma-paraganglioma (Ambry internal data). Other variant(s) resulting in the same amino acid change, p.Gly148Val (c.443G>T), have been identified in individual(s) with features consistent with SDHD-related hereditary pheochromocytoma-paraganglioma (Neumann et al. JAMA. 2004;292:943-951). This variant is considered to be rare based on population cohorts in the Genome Aggregation Database (gnomAD). This amino acid position is highly conserved in available species. In addition, this alteration is predicted to be deleterious by in silico analysis. Based on the supporting evidence, this variant is interpreted as a disease-causing mutation.

Literature cited by the submitters: PubMed 15328326.

NM_003002.4(SDHD):c.443_444delinsTT (p.Gly148Val)

Gene: SDHD (succinate dehydrogenase complex subunit D; plus strand). Cytogenetic location: 11q23.1.
Variant type: Indel.
Coding change: c.443_444delinsTT on transcript NM_003002.4 (MANE Select); coding-DNA positions 443 to 444, GC replaced by TT.
Protein change: p.Gly148Val; replaces glycine 148 with valine.
Molecular consequence: missense variant. On other transcripts: 3 prime UTR variant (2), non-coding transcript variant (1).
Genome position (GRCh38, 1-based): chr11:112,094,933-112,094,934, GC replaced by TT. VCF-style: chr11-112094933-GC-TT. GRCh37 (hg19) VCF-style: chr11-111965657-GC-TT.
Other names: c.*40_*41delinsTT (NM_001276503.2); c.326_327delinsTT, p.Gly109Val (NM_001276504.2); c.*141_*142delinsTT (NM_001276506.2); short protein forms G109V, G148V.
Identifiers: ClinVar variation 480776 (VCV000480776.6), dbSNP rs1555187635, ClinGen allele CA658658107.